The following is an entry in ClinVar:

ClinVar aggregate classification (germline): Likely benign (1 of 4 stars; one submission).

Allele frequency attached by ClinVar (database versions not stated): gnomAD 0.00001; gnomAD exomes 0.00001; ExAC 0.00002.
gnomAD v4.1: 15 of 1,614,076 alleles (0.00093%); highest among the groups gnomAD compares: Non-Finnish European, 0.0013%; no homozygotes.

Submission:

CeGaT Center for Human Genetics Tuebingen
Classification: Likely benign. Last evaluated: 2022-09-01. Review status: criteria provided, single submitter. Criteria: CeGaT Center For Human Genetics Tuebingen Variant Classification Criteria Version 2. Collection method: clinical testing. Allele origin: germline. Affected: yes. Observed: 1 variant allele.
Comment: USP35: BP4, BP7

NM_020798.4(USP35):c.2625C>T (p.Ala875=)

Gene: USP35 (ubiquitin specific peptidase 35; plus strand). Cytogenetic location: 11q14.1.
Variant type: single nucleotide variant.
Coding change: c.2625C>T on transcript NM_020798.4 (MANE Select); coding-DNA position 2625, C replaced by T.
Protein change: p.Ala875=; no amino-acid change (alanine 875 retained).
Molecular consequence: synonymous variant.
Genome position (GRCh38, 1-based): chr11:78,210,480, C>T. VCF-style: chr11-78210480-C-T. GRCh37 (hg19) VCF-style: chr11-77921526-C-T.
Identifiers: ClinVar variation 2642199 (VCV002642199.24), dbSNP rs762113256, ClinGen allele CA6204587.